The following is an entry in ClinVar:

NM_024417.5(FDXR):c.173dup (p.His60fs)

Gene: FDXR (ferredoxin reductase; minus strand). Cytogenetic location: 17q25.1.
Variant type: Duplication.
Coding change: c.173dup on transcript NM_024417.5 (MANE Select); coding-DNA position 173, one base duplicated (T; older notation c.173dupT).
Protein change: p.His60fs; shifts the reading frame from histidine 60.
Molecular consequence: frameshift variant. On other transcripts: non-coding transcript variant (1).
Genome position (GRCh38, 1-based): chr17:74,872,040, A duplicated on the plus strand (T on the coding strand, the reverse complement: FDXR is on the minus strand). VCF-style (leftmost placement, unchanged base first): chr17-74872039-T-TA. GRCh37 (hg19) VCF-style: chr17-72868164-T-TA.
Other names: c.173dup, p.Gln60fs (NM_001258015.3); c.173dup, p.His60fs (NM_004110.6, NM_001258014.4); c.173dup, p.Arg60fs (NM_001258012.4); c.266dup, p.His91fs (NM_001258013.4); short protein forms H60fs, H91fs, Q60fs, R60fs.
Identifiers: ClinVar variation 3775488 (VCV003775488.2).

ClinVar aggregate classification (germline): Pathogenic (1 of 4 stars; one submission).

Conditions:
FDXR-related disorder. Also called: FDXR-related condition; FDXR-related disorders.

Submission:

3billion
Classification: Pathogenic for FDXR-related disorder. Last evaluated: 2025-06-08. Review status: criteria provided, single submitter. Criteria: ACMG Guidelines, 2015. Collection method: clinical testing. Allele origin: germline. Affected: yes.
Comment: The variant is not observed in the gnomAD v4.1.0 dataset. Predicted Consequence/Location: Frameshift: predicted to result in a loss or disruption of normal protein function through nonsense-mediated decay (NMD) or protein truncation. Multiple pathogenic variants are reported downstream of the variant. The variant has been reported to be associated with FDXR-related disorder (ClinVar ID: VCV003775488 /3billion dataset). Therefore, this variant is classified as Pathogenic according to the recommendation of ACMG/AMP guideline.